The following is an entry in ClinVar:

NM_003467.3(CXCR4):c.893_1034dup (p.Glu345_Ser346insProHisProLeuCysPheProTrpSerGlnIleTer)

Gene: CXCR4 (C-X-C motif chemokine receptor 4; minus strand). Cytogenetic location: 2q22.1.
Variant type: Duplication.
Coding change: c.893_1034dup on transcript NM_003467.3 (MANE Select); coding-DNA positions 893 to 1034, 142 bases duplicated.
Protein change: p.Glu345_Ser346insProHisProLeuCysPheProTrpSerGlnIleTer.
Molecular consequence: nonsense, inframe insertion.
Genome position (GRCh38, 1-based): chr2:136,114,894-136,115,035, 142 bases duplicated. GRCh37 (hg19): chr2:136,872,470-136,872,611.
Other names: c.905_1046dup, p.Glu349_Ser350insProHisProLeuCysPheProTrpSerGlnIleTer (NM_001008540.2); c.1106_1247dup, p.Glu416_Ser417insProHisProLeuCysPheProTrpSerGlnIleTer (NM_001348056.2); c.992_1133dup, p.Glu378_Ser379insProHisProLeuCysPheProTrpSerGlnIleTer (NM_001348059.2); c.848_989dup, p.Glu330_Ser331insProHisProLeuCysPheProTrpSerGlnIleTer (NM_001348060.2).
Identifiers: ClinVar variation 1513755 (VCV001513755.6), dbSNP rs2104915487, ClinGen allele CA2573133307.

ClinVar aggregate classification (germline): Pathogenic (1 of 4 stars; one submission).

Conditions:
Warts, hypogammaglobulinemia, infections, and myelokathexis. Also called: WHIM syndrome. Identifiers: MedGen C0472817, MONDO:0023880.

Submission:

Labcorp Genetics (formerly Invitae), Labcorp
Classification: Pathogenic for Warts, hypogammaglobulinemia, infections, and myelokathexis. Last evaluated: 2022-08-30. Review status: criteria provided, single submitter. Criteria: Invitae Variant Classification Sherloc (09022015). Collection method: clinical testing. Allele origin: germline.
Comment: For these reasons, this variant has been classified as Pathogenic. Algorithms developed to predict the effect of sequence changes on RNA splicing suggest that this variant may create or strengthen a splice site. Experimental studies have shown that this frameshift affects CXCR4 function (external communication). Algorithms developed to predict the effect of variants on protein structure and function are not available or were not evaluated for this variant. ClinVar contains an entry for this variant (Variation ID: 1513755). This frameshift has been observed in individual(s) with clinical features consistent with WHIM syndrome (Invitae). In at least one individual the variant was observed to be de novo. This variant is not present in population databases (gnomAD no frequency). This sequence change results in a frameshift in the CXCR4 gene (p.Ser346Profs*12). While this is not anticipated to result in nonsense mediated decay, it is expected to disrupt the last 7 amino acid(s) of the CXCR4 protein and extend the protein by 4 additional amino acid residues.